The following is an entry in ClinVar:

ClinVar aggregate classification (germline): Uncertain significance. Review status: criteria provided, multiple submitters, no conflicts (2 of 4 stars). 3 submissions from 3 submitters: Uncertain significance (3). Last evaluated 2025-06-23.

Conditions:
Inborn genetic diseases. Identifiers: MedGen C0950123, MeSH D030342.
Fanconi anemia (FA). Also called: Fanconi's anemia. Identifiers: Orphanet 84, MedGen C0015625, MeSH D005199, MONDO:0019391.

Allele frequency attached by ClinVar (database versions not stated): gnomAD 0.00003; TOPMed 0.00003.
gnomAD v4.1: 41 of 1,613,612 alleles (0.0025%); highest among the groups gnomAD compares: Admixed American, 0.005%; no homozygotes.

Submissions (3):

Labcorp Genetics (formerly Invitae), Labcorp
Classification: Uncertain significance for Fanconi anemia. Last evaluated: 2025-06-23. Review status: criteria provided, single submitter. Criteria: Invitae Variant Classification Sherloc (09022015). Collection method: clinical testing. Allele origin: germline.
Comment: This sequence change replaces alanine, which is neutral and non-polar, with serine, which is neutral and polar, at codon 1755 of the SLX4 protein (p.Ala1755Ser). This variant is present in population databases (rs780678810, gnomAD 0.009%). This variant has not been reported in the literature in individuals affected with SLX4-related conditions. ClinVar contains an entry for this variant (Variation ID: 1007142). An algorithm developed to predict the effect of missense changes on protein structure and function (PolyPhen-2) suggests that this variant is likely to be disruptive. In summary, the available evidence is currently insufficient to determine the role of this variant in disease. Therefore, it has been classified as a Variant of Uncertain Significance.

Ambry Genetics
Classification: Uncertain significance for Inborn genetic diseases. Last evaluated: 2023-01-26. Review status: criteria provided, single submitter. Criteria: Ambry Variant Classification Scheme 2023. Collection method: clinical testing. Allele origin: germline.

Genetic Services Laboratory, University of Chicago
Classification: Uncertain significance. Last evaluated: 2019-03-20. Review status: criteria provided, single submitter. Criteria: ACMG Guidelines, 2015. Collection method: clinical testing. Allele origin: germline. Affected: no.

NM_032444.4(SLX4):c.5263G>T (p.Ala1755Ser)

Gene: SLX4 (SLX4 structure-specific endonuclease subunit; minus strand). Cytogenetic location: 16p13.3.
Variant type: single nucleotide variant.
Coding change: c.5263G>T on transcript NM_032444.4 (MANE Select); coding-DNA position 5263, G replaced by T.
Protein change: p.Ala1755Ser; replaces alanine 1755 with serine.
Molecular consequence: missense variant.
Genome position (GRCh38, 1-based): chr16:3,582,584, C>A on the plus strand (G>T on the coding strand, the complement: SLX4 is on the minus strand). VCF-style: chr16-3582584-C-A. GRCh37 (hg19) VCF-style: chr16-3632585-C-A.
Other names: short protein forms A1755S.
Identifiers: ClinVar variation 1007142 (VCV001007142.13), dbSNP rs780678810, ClinGen allele CA7865355.